The following is an entry in ClinVar:

ClinVar aggregate classification (germline): Uncertain significance. Review status: criteria provided, multiple submitters, no conflicts (2 of 4 stars). 2 submissions from 2 submitters: Uncertain significance (2). Last evaluated 2025-12-21.

Conditions:
Hereditary hemorrhagic telangiectasia (HHT). Also called: Osler hemorrhagic telangiectasia syndrome; ORW DISEASE; Osler Weber Rendu syndrome; OSLER-RENDU-WEBER DISEASE. Identifiers: Orphanet 774, MedGen C0039445, MONDO:0019180. Disease mechanism: loss of function.
Cardiovascular phenotype. Identifiers: MedGen CN230736.

Allele frequency attached by ClinVar (database versions not stated): gnomAD exomes below 0.00001.
gnomAD v4.1: 2 of 1,583,212 alleles (0.00013%); highest among the groups gnomAD compares: Non-Finnish European, 0.000086%; no homozygotes.

Submissions (2):

Ambry Genetics
Classification: Uncertain significance for Cardiovascular phenotype. Last evaluated: 2025-12-21. Review status: criteria provided, single submitter. Criteria: Ambry Variant Classification Scheme 2023. Collection method: clinical testing. Allele origin: germline.
Comment: The p.S228T variant (also known as c.682T>A), located in coding exon 5 of the ENG gene, results from a T to A substitution at nucleotide position 682. The serine at codon 228 is replaced by threonine, an amino acid with similar properties. This amino acid position is conserved. In addition, this alteration is predicted to be tolerated by in silico analysis. Based on the available evidence, the clinical significance of this variant remains unclear.

Labcorp Genetics (formerly Invitae), Labcorp
Classification: Uncertain significance for Hereditary hemorrhagic telangiectasia. Last evaluated: 2020-02-03. Review status: criteria provided, single submitter. Criteria: Invitae Variant Classification Sherloc (09022015). Collection method: clinical testing. Allele origin: germline.
Comment: This sequence change replaces serine with threonine at codon 228 of the ENG protein (p.Ser228Thr). The serine residue is weakly conserved and there is a small physicochemical difference between serine and threonine. This variant is not present in population databases (ExAC no frequency). This variant has not been reported in the literature in individuals with ENG-related conditions. Algorithms developed to predict the effect of missense changes on protein structure and function (SIFT, PolyPhen-2, Align-GVGD) all suggest that this variant is likely to be tolerated, but these predictions have not been confirmed by published functional studies and their clinical significance is uncertain. In summary, the available evidence is currently insufficient to determine the role of this variant in disease. Therefore, it has been classified as a Variant of Uncertain Significance.

NM_001114753.3(ENG):c.682T>A (p.Ser228Thr)

Gene: ENG (endoglin; minus strand). Cytogenetic location: 9q34.11.
Variant type: single nucleotide variant.
Coding change: c.682T>A on transcript NM_001114753.3 (MANE Select); coding-DNA position 682, T replaced by A.
Protein change: p.Ser228Thr; replaces serine 228 with threonine.
Molecular consequence: missense variant.
Genome position (GRCh38, 1-based): chr9:127,825,702, A>T on the plus strand (T>A on the coding strand, the complement: ENG is on the minus strand). VCF-style: chr9-127825702-A-T. GRCh37 (hg19) VCF-style: chr9-130587981-A-T.
Other names: c.682T>A, p.Ser228Thr (NM_000118.4, NM_001406715.1); c.136T>A, p.Ser46Thr (NM_001278138.2); c.682T>A (NM_001114753.1); short protein forms S228T, S46T.
Identifiers: ClinVar variation 1061599 (VCV001061599.11), dbSNP rs2131888946, ClinGen allele CA374983492.